The following is an entry in ClinVar:

ClinVar aggregate classification (germline): Uncertain significance. Review status: criteria provided, multiple submitters, no conflicts (2 of 4 stars). 7 submissions from 5 submitters: Uncertain significance (7). Last evaluated 2022-07-26.

Conditions:
Hereditary spastic paraplegia 11. Also called: SPASTIC PARAPLEGIA, AUTOSOMAL RECESSIVE, COMPLICATED, WITH THIN CORPUS CALLOSUM; SPASTIC PARAPLEGIA, AUTOSOMAL RECESSIVE, WITH MENTAL IMPAIRMENT AND THIN CORPUS CALLOSUM; Spastic Paraplegia 11; Nakamura Osame syndrome; Autosomal recessive hereditary spastic paraplegia, mental impairment, and thin corpus callosum; Spastic paraplegia, mental retardation and thin corpus callosum. Identifiers: Orphanet 2822, MedGen C1858479, MONDO:0011445, OMIM 604360.
Inborn genetic diseases. Identifiers: MedGen C0950123, MeSH D030342.
Charcot-Marie-Tooth disease axonal type 2X. Also called: CHARCOT-MARIE-TOOTH DISEASE, AXONAL, AUTOSOMAL RECESSIVE, TYPE 2X; CHARCOT-MARIE-TOOTH NEUROPATHY, TYPE 2X. Identifiers: Orphanet 466775, MedGen C5569024, MONDO:0014726, OMIM 616668.
Amyotrophic lateral sclerosis type 5 (ALS5). Also called: AMYOTROPHIC LATERAL SCLEROSIS 5, JUVENILE. Identifiers: Orphanet 300605, MedGen C1865864, MONDO:0011196, OMIM 602099.
Hereditary spastic paraplegia. Also called: Familial spastic paraparesis. Identifiers: Orphanet 685, MedGen C0037773, MONDO:0019064. Disease mechanism: loss of function.

Allele frequency attached by ClinVar (database versions not stated): gnomAD exomes 0.00001; TOPMed 0.00001; ExAC 0.00002; gnomAD 0.00002 and 0.00003; 1000 Genomes Project 30x 0.00016; 1000 Genomes Project 0.00020.
gnomAD v4.1: 20 of 1,614,168 alleles (0.0012%); highest among the groups gnomAD compares: African/African-American, 0.004%; no homozygotes.

Submissions (7):

Labcorp Genetics (formerly Invitae), Labcorp
Classification: Uncertain significance for Hereditary spastic paraplegia 11. Last evaluated: 2022-07-26. Review status: criteria provided, single submitter. Criteria: Invitae Variant Classification Sherloc (09022015). Collection method: clinical testing. Allele origin: germline.
Comment: This sequence change replaces valine, which is neutral and non-polar, with isoleucine, which is neutral and non-polar, at codon 274 of the SPG11 protein (p.Val274Ile). This variant is present in population databases (rs543316224, gnomAD 0.004%). This variant has not been reported in the literature in individuals affected with SPG11-related conditions. ClinVar contains an entry for this variant (Variation ID: 534890). Algorithms developed to predict the effect of missense changes on protein structure and function output the following: SIFT: "Tolerated"; PolyPhen-2: "Benign"; Align-GVGD: "Class C0". The isoleucine amino acid residue is found in multiple mammalian species, which suggests that this missense change does not adversely affect protein function. In summary, the available evidence is currently insufficient to determine the role of this variant in disease. Therefore, it has been classified as a Variant of Uncertain Significance.

Ambry Genetics
Classification: Uncertain significance for Inborn genetic diseases. Last evaluated: 2021-08-20. Review status: criteria provided, single submitter. Criteria: Ambry Variant Classification Scheme 2023. Collection method: clinical testing. Allele origin: germline.
Comment: The p.V274I variant (also known as c.820G>A), located in coding exon 4 of the SPG11 gene, results from a G to A substitution at nucleotide position 820. The valine at codon 274 is replaced by isoleucine, an amino acid with highly similar properties. This amino acid position is not well conserved in available vertebrate species, and isoleucine is the reference amino acid in other vertebrate species. In addition, this alteration is predicted to be tolerated by in silico analysis. Since supporting evidence is limited at this time, the clinical significance of this alteration remains unclear.

Blueprint Genetics
Classification: Uncertain significance. Last evaluated: 2021-02-24. Review status: criteria provided, single submitter. Criteria: ACMG Guidelines, 2015. Collection method: clinical testing. Allele origin: germline.

Genome Diagnostics Laboratory, The Hospital for Sick Children
Classification: Uncertain significance for Hereditary spastic paraplegia. Last evaluated: 2016-12-12. Review status: criteria provided, single submitter. Criteria: ACMG Guidelines, 2015. Collection method: clinical testing. Allele origin: germline. Affected: yes.

Genome-Nilou Lab
Classification: Uncertain significance for Amyotrophic lateral sclerosis type 5. Review status: criteria provided, single submitter. Criteria: ACMG Guidelines, 2015. Collection method: clinical testing. Allele origin: germline.

Genome-Nilou Lab
Classification: Uncertain significance for Charcot-Marie-Tooth disease axonal type 2X. Review status: criteria provided, single submitter. Criteria: ACMG Guidelines, 2015. Collection method: clinical testing. Allele origin: germline.

Genome-Nilou Lab
Classification: Uncertain significance for Hereditary spastic paraplegia 11. Review status: criteria provided, single submitter. Criteria: ACMG Guidelines, 2015. Collection method: clinical testing. Allele origin: germline.

NM_025137.4(SPG11):c.820G>A (p.Val274Ile)

Gene: SPG11 (SPG11 vesicle trafficking associated, spatacsin; minus strand). Cytogenetic location: 15q21.1.
Variant type: single nucleotide variant.
Coding change: c.820G>A on transcript NM_025137.4 (MANE Select); coding-DNA position 820, G replaced by A.
Protein change: p.Val274Ile; replaces valine 274 with isoleucine.
Molecular consequence: missense variant.
Genome position (GRCh38, 1-based): chr15:44,657,144, C>T on the plus strand (G>A on the coding strand, the complement: SPG11 is on the minus strand). VCF-style: chr15-44657144-C-T. GRCh37 (hg19) VCF-style: chr15-44949342-C-T.
Other names: c.820G>A, p.Val274Ile (NM_001160227.2); short protein forms V274I.
Identifiers: ClinVar variation 534890 (VCV000534890.15), dbSNP rs543316224, ClinGen allele CA7535714.